The following is an entry in ClinVar:

NM_002693.3(POLG):c.260T>C (p.Ile87Thr)

Genes: POLG (DNA polymerase gamma, catalytic subunit; minus strand), POLGARF (POLG alternative reading frame; minus strand). Cytogenetic location: 15q26.1.
Variant type: single nucleotide variant.
Coding change: c.260T>C on transcript NM_002693.3 (MANE Select); coding-DNA position 260, T replaced by C.
Protein change: p.Ile87Thr; replaces isoleucine 87 with threonine.
Molecular consequence: missense variant.
Genome position (GRCh38, 1-based): chr15:89,333,495, A>G on the plus strand (T>C on the coding strand, the complement: POLG is on the minus strand). VCF-style: chr15-89333495-A-G. GRCh37 (hg19) VCF-style: chr15-89876726-A-G.
Other names: c.260T>C, p.Ile87Thr (NM_001126131.2); short protein forms I87T.
Identifiers: ClinVar variation 585152 (VCV000585152.14), dbSNP rs776347449, ClinGen allele CA7725147.

ClinVar aggregate classification (germline): Uncertain significance. Review status: criteria provided, multiple submitters, no conflicts (2 of 4 stars). 3 submissions from 3 submitters: Uncertain significance (3). Last evaluated 2026-07-01.

Conditions:
Inborn genetic diseases. Identifiers: MedGen C0950123, MeSH D030342.
Progressive sclerosing poliodystrophy (MTDPS4A). Also called: ALPERS DIFFUSE DEGENERATION OF CEREBRAL GRAY MATTER WITH HEPATIC CIRRHOSIS; Mitochondrial DNA Depletion Syndrome 4A; NEURONAL DEGENERATION OF CHILDHOOD WITH LIVER DISEASE, PROGRESSIVE; Mitochondrial DNA depletion syndrome 4A (Alpers type); Alpers-Huttenlocher Syndrome; Alpers-Huttenlocher Syndrome (AHS). Identifiers: Orphanet 726, MedGen C0205710, MONDO:0008758, OMIM 203700.

Allele frequency attached by ClinVar (database versions not stated): gnomAD exomes below 0.00001 and 0.00001; TOPMed below 0.00001; ExAC 0.00001.
gnomAD v4.1: 7 of 1,612,706 alleles (0.00043%); highest among the groups gnomAD compares: Non-Finnish European, 0.00059%; no homozygotes.

Submissions (3):

CeGaT Center for Human Genetics Tuebingen
Classification: Uncertain significance. Last evaluated: 2026-07-01. Review status: criteria provided, single submitter. Criteria: CeGaT Center For Human Genetics Tuebingen Variant Classification Criteria Version 2. Collection method: clinical testing. Allele origin: germline. Affected: yes. Observed: 1 variant allele.
Comment: POLG: PM2, PP3

Labcorp Genetics (formerly Invitae), Labcorp
Classification: Uncertain significance for Progressive sclerosing poliodystrophy. Last evaluated: 2023-09-10. Review status: criteria provided, single submitter. Criteria: Invitae Variant Classification Sherloc (09022015). Collection method: clinical testing. Allele origin: germline.
Comment: Advanced modeling of protein sequence and biophysical properties (such as structural, functional, and spatial information, amino acid conservation, physicochemical variation, residue mobility, and thermodynamic stability) performed at Invitae indicates that this missense variant is expected to disrupt POLG protein function. ClinVar contains an entry for this variant (Variation ID: 585152). This variant has not been reported in the literature in individuals affected with POLG-related conditions. This variant is present in population databases (rs776347449, gnomAD 0.0009%). This sequence change replaces isoleucine, which is neutral and non-polar, with threonine, which is neutral and polar, at codon 87 of the POLG protein (p.Ile87Thr). In summary, the available evidence is currently insufficient to determine the role of this variant in disease. Therefore, it has been classified as a Variant of Uncertain Significance.

Ambry Genetics
Classification: Uncertain significance for Inborn genetic diseases. Last evaluated: 2016-06-16. Review status: criteria provided, single submitter. Criteria: Ambry Variant Classification Scheme 2023. Collection method: clinical testing. Allele origin: germline.
Comment: The p.I87T variant (also known as c.260T>C), located in coding exon 1 of the POLG gene, results from a T to C substitution at nucleotide position 260. The isoleucine at codon 87 is replaced by threonine, an amino acid with similar properties. This variant was not reported in population based cohorts in the following databases: Database of Single Nucleotide Polymorphisms (dbSNP), NHLBI Exome Sequencing Project (ESP), and 1000 Genomes Project. In the ESP, this variant was not observed in 6499 samples (12998 alleles) with coverage at this position. This amino acid position is highly conserved in available vertebrate species. In addition, this alteration is predicted to be deleterious by in silico analysis. Since supporting evidence is limited at this time, the clinical significance of this variant remains unclear.